The following is an entry in ClinVar:

NM_002156.5(HSPD1):c.1569G>C (p.Lys523Asn)

Gene: HSPD1 (heat shock protein family D (Hsp60) member 1; minus strand). Cytogenetic location: 2q33.1.
Variant type: single nucleotide variant.
Coding change: c.1569G>C on transcript NM_002156.5 (MANE Select); coding-DNA position 1569, G replaced by C.
Protein change: p.Lys523Asn; replaces lysine 523 with asparagine.
Molecular consequence: missense variant.
Genome position (GRCh38, 1-based): chr2:197,487,858, C>G on the plus strand (G>C on the coding strand, the complement: HSPD1 is on the minus strand). VCF-style: chr2-197487858-C-G. GRCh37 (hg19) VCF-style: chr2-198352582-C-G.
Other names: c.1569G>C, p.Lys523Asn (NM_199440.2); short protein forms K523N.
Identifiers: ClinVar variation 4887842 (VCV004887842.1).
Genomic context (GRCh38, chr2:197,487,858, plus strand): 5'-TGAGGATACATTAACAAAATGAACAACAAAAGAATTTTTAGAAAGTGTTCAACCATTTAC[C>G]TTTGTTGGGTCAATGATTCCTTTTTCCACCATATTCACAAAATCTCCAGCCATAGCATCA-3'
Protein context (NP_002147.2, residues 513-533): MVEKGIIDPT[Lys523Asn]VVRTALLDAA

ClinVar aggregate classification (germline): Uncertain significance (1 of 4 stars; one submission).

Submission:

GeneDx
Classification: Uncertain significance. Last evaluated: 2026-02-14. Review status: criteria provided, single submitter. Criteria: GeneDx Variant Classification Process June 2021. Collection method: clinical testing. Allele origin: germline.
Comment: Not observed at significant frequency in large population cohorts (gnomAD); In silico analysis supports that this missense variant has a deleterious effect on protein structure/function; Has not been previously published as pathogenic or benign to our knowledge; In silico analysis is inconclusive as to whether the variant alters gene splicing. In the absence of RNA/functional studies, the actual effect of this sequence change is unknown..